The following is an entry in ClinVar:

ClinVar aggregate classification (germline): Uncertain significance. Review status: criteria provided, multiple submitters, no conflicts (2 of 4 stars). 2 submissions from 2 submitters: Uncertain significance (2). Last evaluated 2026-02-24.

Conditions:
Inborn genetic diseases. Identifiers: MedGen C0950123, MeSH D030342.
GANAB-related disorder. Also called: GANAB-related condition.

Allele frequency attached by ClinVar (database versions not stated): ExAC 0.00001; gnomAD exomes 0.00001; TOPMed 0.00001; gnomAD 0.00002.

Submissions (2):

Ambry Genetics
Classification: Uncertain significance for Inborn genetic diseases. Last evaluated: 2026-02-24. Review status: criteria provided, single submitter. Criteria: Ambry Variant Classification Scheme 2023. Collection method: clinical testing. Allele origin: germline.
Comment: The c.1613C>T (p.T538M) alteration is located in exon 14 (coding exon 14) of the GANAB gene. This alteration results from a C to T substitution at nucleotide position 1613, causing the threonine (T) at amino acid position 538 to be replaced by a methionine (M). Based on data from gnomAD, the T allele has an overall frequency of 0.001% (3/250584) total alleles studied. The highest observed frequency was 0.006% (1/16176) of African alleles. Based on insufficient or conflicting evidence, the clinical significance of this alteration remains unclear.

PreventionGenetics, part of Exact Sciences
Classification: Uncertain significance for GANAB-related condition. Last evaluated: 2025-05-27. Review status: criteria provided, single submitter. Criteria: ACMG Guidelines, 2015. Collection method: clinical testing. Allele origin: germline.
Comment: The GANAB c.1613C>T variant is predicted to result in the amino acid substitution p.Thr538Met. To our knowledge, this variant has not been reported in the peer-reviewed literature. Of note, this variant was presented in a dissertation for the degree of doctor titled "mapping the genetic landscape of polycystic liver disease". This variant is reported in 0.0062% of alleles in individuals of African descent in gnomAD. At this time, the clinical significance of this variant is uncertain due to the absence of conclusive functional and genetic evidence.

NM_198334.3(GANAB):c.1547C>T (p.Thr516Met)

Gene: GANAB (glucosidase II alpha subunit; minus strand). Cytogenetic location: 11q12.3.
Variant type: single nucleotide variant.
Coding change: c.1547C>T on transcript NM_198334.3 (MANE Select); coding-DNA position 1547, C replaced by T.
Protein change: p.Thr516Met; replaces threonine 516 with methionine.
Molecular consequence: missense variant.
Genome position (GRCh38, 1-based): chr11:62,630,243, G>A on the plus strand (C>T on the coding strand, the complement: GANAB is on the minus strand). VCF-style: chr11-62630243-G-A. GRCh37 (hg19) VCF-style: chr11-62397715-G-A.
Other names: c.1613C>T (NM_198335.3); c.1271C>T, p.Thr424Met (NM_001278192.2); c.1205C>T, p.Thr402Met (NM_001278193.2); c.1256C>T, p.Thr419Met (NM_001278194.2, NM_001329222.2, NM_001329223.2); c.824C>T, p.Thr275Met (NM_001329224.2, NM_001329225.2); c.1613C>T, p.Thr538Met (NM_198335.4); short protein forms T402M, T275M, T538M, T424M, T516M, T419M.
Identifiers: ClinVar variation 3098285 (VCV003098285.3), dbSNP rs748150682, ClinGen allele CA6050736.